The following is an entry in ClinVar:

NM_001267550.2(TTN):c.47875+4_47875+7del

Genes: TTN (titin; minus strand), TTN-AS1 (TTN antisense RNA 1; plus strand). Cytogenetic location: 2q31.2.
Variant type: Deletion.
Coding change: c.47875+4_47875+7del on transcript NM_001267550.2 (MANE Select); bases 4 to 7 of the intron after coding-DNA position 47875, 4 bases deleted (AATA; older notation c.47875+4_47875+7delAATA).
Molecular consequence: splice donor variant.
Genome position (GRCh38, 1-based): chr2:178,617,113-178,617,116, TATT deleted on the plus strand (AATA on the coding strand, the reverse complement: TTN is on the minus strand); deleting any 4 consecutive bases within chr2:178,617,113-178,617,118 gives the same sequence; the c. name uses the placement nearest the transcript's 3' end. VCF-style (leftmost placement, unchanged base first): chr2-178617112-CTATT-C. GRCh37 (hg19) VCF-style: chr2-179481839-CTATT-C.
Other names: c.47875+4_47875+7delAATA (NM_001267550.2); c.20680+4_20680+7del (NM_003319.4); c.21256+4_21256+7del (NM_133437.4); c.21055+4_21055+7del (NM_133432.3); c.40171+4_40171+7del (NM_133378.4); c.42952+4_42952+7del (NM_001256850.1); c.20680+4_20680+7delAATA (NM_003319.4).
Identifiers: ClinVar variation 467193 (VCV000467193.12), dbSNP rs753206674, ClinGen allele CA1994960.

ClinVar aggregate classification (germline): Uncertain significance. Review status: criteria provided, multiple submitters, no conflicts (2 of 4 stars). 5 submissions from 5 submitters: Uncertain significance (5). Last evaluated 2025-12-31.

Conditions:
Cardiovascular phenotype. Identifiers: MedGen CN230736.
TTN-related disorder. Also called: TTN-related condition; TTN-related disease; TTN-related disorders.
Autosomal recessive limb-girdle muscular dystrophy type 2J (LGMDR10). Also called: Limb-girdle muscular dystrophy, type 2J; MUSCULAR DYSTROPHY, LIMB-GIRDLE, AUTOSOMAL RECESSIVE 10. Identifiers: Orphanet 140922, MedGen C1837342, MONDO:0012127, OMIM 608807.
Dilated cardiomyopathy 1G (CMD1G). Identifiers: Orphanet 154, MedGen C1858763, MONDO:0011400, OMIM 604145.
Hypertrophic cardiomyopathy 9. Also called: Familial hypertrophic cardiomyopathy 9. Identifiers: MedGen C1861065, MONDO:0013412, OMIM 613765.
Myopathy, myofibrillar, 9, with early respiratory failure (MFM9). Also called: Hereditary myopathy with early respiratory failure; MYOPATHY, PROXIMAL, WITH EARLY RESPIRATORY MUSCLE INVOLVEMENT; EDSTROM MYOPATHY; Myopathy, distal, with early respiratory failure, autosomal dominant. Identifiers: Orphanet 178464, Orphanet 34521, MedGen C1863599, MONDO:0011362, OMIM 603689.
Tibial muscular dystrophy (TMD). Also called: Udd Distal Myopathy – Tibial Muscular Dystrophy; UDD MYOPATHY; Tibial muscular dystrophy, tardive. Identifiers: Orphanet 609, MedGen C1838244, MONDO:0010870, OMIM 600334.
Early-onset myopathy with fatal cardiomyopathy (CMYO5). Also called: Salih Myopathy; CONGENITAL MYOPATHY 5 WITH CARDIOMYOPATHY. Identifiers: Orphanet 289377, MedGen C2673677, MONDO:0012714, OMIM 611705. Disease mechanism: loss of function.

Submissions (5):

PreventionGenetics, part of Exact Sciences
Classification: Uncertain significance for TTN-related condition. Last evaluated: 2025-12-31. Review status: criteria provided, single submitter. Criteria: ACMG Guidelines, 2015. Collection method: clinical testing. Allele origin: germline.
Comment: The TTN c.47875+4_47875+7delAATA variant is predicted to result in an intronic deletion. This variant is predicted to impact splicing based on a splicing prediction program (SpliceAI, Jaganathan K, et al. 2019. PubMed ID: 30661751). To our knowledge, this variant has not been reported in the literature. This variant is reported in 0.0065% of alleles in individuals of African descent in gnomAD. At this time, the clinical significance of this variant is uncertain due to the absence of conclusive functional and genetic evidence.

Labcorp Genetics (formerly Invitae), Labcorp
Classification: Uncertain significance for Dilated cardiomyopathy 1G; Autosomal recessive limb-girdle muscular dystrophy type 2J. Last evaluated: 2025-11-23. Review status: criteria provided, single submitter. Criteria: Invitae Variant Classification Sherloc (09022015). Collection method: clinical testing. Allele origin: germline.
Comment: This sequence change falls in intron 255 of the TTN gene. It does not directly change the encoded amino acid sequence of the TTN protein. It affects a nucleotide within the consensus splice site. This variant is present in population databases (rs753206674, gnomAD 0.007%). This variant has not been reported in the literature in individuals affected with TTN-related conditions. ClinVar contains an entry for this variant (Variation ID: 467193). Variants that disrupt the consensus splice site are a relatively common cause of aberrant splicing (PMID: 17576681, 9536098). Algorithms developed to predict the effect of sequence changes on RNA splicing suggest that this variant may disrupt the consensus splice site. This variant is located in the A band of TTN (PMID: 25589632). Variants in this region may be relevant for cardiac or neuromuscular disorders (PMID: 25589632, 23975875). In summary, the available evidence is currently insufficient to determine the role of this variant in disease. Therefore, it has been classified as a Variant of Uncertain Significance.

GeneDx
Classification: Uncertain significance. Last evaluated: 2025-06-05. Review status: criteria provided, single submitter. Criteria: GeneDx Variant Classification Process June 2021. Collection method: clinical testing. Allele origin: germline. Affected: yes.
Comment: Not observed at significant frequency in large population cohorts (gnomAD); Has not been previously published as pathogenic or benign to our knowledge; In silico analysis is inconclusive as to whether the variant alters gene splicing. In the absence of RNA/functional studies, the actual effect of this sequence change is unknown.

Ambry Genetics
Classification: Uncertain significance for Cardiovascular phenotype. Last evaluated: 2022-07-14. Review status: criteria provided, single submitter. Criteria: Ambry Variant Classification Scheme 2023. Collection method: clinical testing. Allele origin: germline.
Comment: The c.20680+4_20680+7delAATA intronic variant is located 4 nucleotides after coding exon 82 in the TTN gene. This variant results from a deletion of 4 nucleotides at positions 20680+4 to 20680+7. These nucleotide positions are not well conserved in available vertebrate species. In silico splice site analysis for this alteration is inconclusive. Since supporting evidence is limited at this time, the clinical significance of this alteration remains unclear.

Fulgent Genetics
Classification: Uncertain significance for Tibial muscular dystrophy; Myopathy, myofibrillar, 9, with early respiratory failure; Dilated cardiomyopathy 1G; Autosomal recessive limb-girdle muscular dystrophy type 2J; Early-onset myopathy with fatal cardiomyopathy; Hypertrophic cardiomyopathy 9. Last evaluated: 2021-10-16. Review status: criteria provided, single submitter. Criteria: ACMG Guidelines, 2015. Collection method: clinical testing. Allele origin: unknown.

Literature cited by the submitters: PubMed 17576681 (cited by Labcorp Genetics (formerly Invitae), Labcorp); PubMed 9536098 (cited by Labcorp Genetics (formerly Invitae), Labcorp); PubMed 25589632 (cited by Labcorp Genetics (formerly Invitae), Labcorp); PubMed 23975875 (cited by Labcorp Genetics (formerly Invitae), Labcorp).